The following is an entry in ClinVar:

ClinVar aggregate classification (germline): Uncertain significance. Review status: criteria provided, multiple submitters, no conflicts (2 of 4 stars). 2 submissions from 2 submitters: Uncertain significance (2). Last evaluated 2025-06-27.

Conditions:
Beta-thalassemia-X-linked thrombocytopenia syndrome. Also called: THROMBOCYTOPENIA WITH BETA-THALASSEMIA, X-LINKED. Identifiers: Orphanet 231393, MedGen C1839161, MONDO:0010745, OMIM 314050.
Transient myeloproliferative syndrome. Also called: LEUKEMIA, TRANSIENT; TRANSIENT ABNORMAL MYELOPOIESIS; Transient myeloproliferative syndrome (disease). Identifiers: Orphanet 420611, MedGen C1834582, MONDO:0008040, OMIM 159595, HP:0005534.
Thrombocytopenia, X-linked, with or without dyserythropoietic anemia (XLTDA). Identifiers: Orphanet 67044, MedGen C3550789, MONDO:0010308, OMIM 300367.
Hemolytic anemia due to erythrocyte adenosine deaminase overproduction (CNSHA9). Also called: Adenosine deaminase, elevated, hemolytic anemia due to; ANEMIA, CONGENITAL, NONSPHEROCYTIC HEMOLYTIC, 9; ERYTHROCYTE ADA, ELEVATED, HEMOLYTIC ANEMIA DUE TO. Identifiers: Orphanet 99138, MedGen C1863235, MONDO:0020458, OMIM 301083.
X-linked dyserythropoetic anemia with abnormal platelets and neutropenia. Also called: ANEMIA, X-LINKED, WITH OR WITHOUT NEUTROPENIA AND/OR PLATELET ABNORMALITIES. Identifiers: Orphanet 363727, MedGen C3550856, MONDO:0010444, OMIM 300835.
Diamond-Blackfan anemia. Also called: Blackfan Diamond syndrome; Aregenerative anemia chronic congenital; Red cell aplasia, pure hereditary; Congenital hypoplastic anemia; Aase syndrome. Identifiers: Orphanet 124, MedGen C1260899, MeSH D029503, MONDO:0015253, HP:0004810.
GATA binding protein 1 related thrombocytopenia with dyserythropoiesis. Also called: GATA1-Related Cytopenia; GATA1-Related X-Linked Cytopenia. Identifiers: MedGen C1845837, MONDO:0100089.

gnomAD v4.1: 5 of 1,210,079 alleles (0.00041%); highest among the groups gnomAD compares: Non-Finnish European, 0.00034%; no homozygotes.

Submissions (2):

Labcorp Genetics (formerly Invitae), Labcorp
Classification: Uncertain significance for GATA binding protein 1 related thrombocytopenia with dyserythropoiesis; Diamond-Blackfan anemia. Last evaluated: 2025-06-27. Review status: criteria provided, single submitter. Criteria: Invitae Variant Classification Sherloc (09022015). Collection method: clinical testing. Allele origin: germline.
Comment: This sequence change replaces valine, which is neutral and non-polar, with isoleucine, which is neutral and non-polar, at codon 250 of the GATA1 protein (p.Val250Ile). The frequency data for this variant in the population databases is considered unreliable, as metrics indicate poor data quality at this position in the gnomAD database. This variant has not been reported in the literature in individuals affected with GATA1-related conditions. ClinVar contains an entry for this variant (Variation ID: 3598345). Invitae Evidence Modeling of protein sequence and biophysical properties (such as structural, functional, and spatial information, amino acid conservation, physicochemical variation, residue mobility, and thermodynamic stability) indicates that this missense variant is not expected to disrupt GATA1 protein function with a negative predictive value of 95%. In summary, the available evidence is currently insufficient to determine the role of this variant in disease. Therefore, it has been classified as a Variant of Uncertain Significance.

Fulgent Genetics
Classification: Uncertain significance for Transient myeloproliferative syndrome; Thrombocytopenia, X-linked, with or without dyserythropoietic anemia; X-linked dyserythropoetic anemia with abnormal platelets and neutropenia; Hemolytic anemia due to erythrocyte adenosine deaminase overproduction; Beta-thalassemia-X-linked thrombocytopenia syndrome. Last evaluated: 2024-04-18. Review status: criteria provided, single submitter. Criteria: ACMG Guidelines, 2015. Collection method: clinical testing. Allele origin: germline.

NM_002049.4(GATA1):c.748G>A (p.Val250Ile)

Gene: GATA1 (GATA binding protein 1; plus strand). Cytogenetic location: Xp11.23.
Variant type: single nucleotide variant.
Coding change: c.748G>A on transcript NM_002049.4 (MANE Select); coding-DNA position 748, G replaced by A.
Protein change: p.Val250Ile; replaces valine 250 with isoleucine.
Molecular consequence: missense variant.
Genome position (GRCh38, 1-based): chrX:48,793,175, G>A. VCF-style: chrX-48793175-G-A. GRCh37 (hg19) VCF-style: chrX-48651582-G-A.
Other names: short protein forms V250I.
Identifiers: ClinVar variation 3598345 (VCV003598345.3).